The following is an entry in ClinVar:

ClinVar aggregate classification (germline): Uncertain significance. Review status: criteria provided, multiple submitters, no conflicts (2 of 4 stars). 5 submissions from 4 submitters: Uncertain significance (5). Last evaluated 2026-01-14.

Conditions:
Inborn genetic diseases. Identifiers: MedGen C0950123, MeSH D030342.
Usher syndrome type 2A. Also called: RETINAL DISEASE IN USHER SYNDROME TYPE IIA, MODIFIER OF; USHER SYNDROME, TYPE IIA. Identifiers: Orphanet 231178, Orphanet 886, MedGen C1848634, MONDO:0010169, OMIM 276901.
Retinitis pigmentosa 39 (RP39). Identifiers: Orphanet 791, MedGen C3151138, MONDO:0013436, OMIM 613809.

Allele frequency attached by ClinVar (database versions not stated): gnomAD exomes below 0.00001; gnomAD 0.00001; TOPMed 0.00001.
gnomAD v4.1: 6 of 1,613,654 alleles (0.00037%); highest among the groups gnomAD compares: African/African-American, 0.004%; no homozygotes.

Submissions (5):

Ambry Genetics
Classification: Uncertain significance for Inborn genetic diseases. Last evaluated: 2026-01-14. Review status: criteria provided, single submitter. Criteria: Ambry Variant Classification Scheme 2023. Collection method: clinical testing. Allele origin: germline.

Labcorp Genetics (formerly Invitae), Labcorp
Classification: Uncertain significance. Last evaluated: 2025-02-03. Review status: criteria provided, single submitter. Criteria: Invitae Variant Classification Sherloc (09022015). Collection method: clinical testing. Allele origin: germline.
Comment: This sequence change replaces isoleucine, which is neutral and non-polar, with leucine, which is neutral and non-polar, at codon 3784 of the USH2A protein (p.Ile3784Leu). This variant is not present in population databases (gnomAD no frequency). This variant has not been reported in the literature in individuals affected with USH2A-related conditions. ClinVar contains an entry for this variant (Variation ID: 1418585). Invitae Evidence Modeling of protein sequence and biophysical properties (such as structural, functional, and spatial information, amino acid conservation, physicochemical variation, residue mobility, and thermodynamic stability) indicates that this missense variant is not expected to disrupt USH2A protein function with a negative predictive value of 95%. In summary, the available evidence is currently insufficient to determine the role of this variant in disease. Therefore, it has been classified as a Variant of Uncertain Significance.

Genome-Nilou Lab
Classification: Uncertain significance for Retinitis pigmentosa 39. Last evaluated: 2023-11-04. Review status: criteria provided, single submitter. Criteria: ACMG Guidelines, 2015. Collection method: clinical testing. Allele origin: germline. Affected: no.

Genome-Nilou Lab
Classification: Uncertain significance for Usher syndrome type 2A. Last evaluated: 2023-11-04. Review status: criteria provided, single submitter. Criteria: ACMG Guidelines, 2015. Collection method: clinical testing. Allele origin: germline. Affected: no.

GeneDx
Classification: Uncertain significance. Last evaluated: 2023-04-24. Review status: criteria provided, single submitter. Criteria: GeneDx Variant Classification Process June 2021. Collection method: clinical testing. Allele origin: germline. Affected: yes.
Comment: Not observed at significant frequency in large population cohorts (gnomAD); In silico analysis supports that this missense variant does not alter protein structure/function; Has not been previously published as pathogenic or benign to our knowledge

NM_206933.4(USH2A):c.11350A>C (p.Ile3784Leu)

Gene: USH2A (usherin; minus strand). Cytogenetic location: 1q41.
Variant type: single nucleotide variant.
Coding change: c.11350A>C on transcript NM_206933.4 (MANE Select); coding-DNA position 11350, A replaced by C.
Protein change: p.Ile3784Leu; replaces isoleucine 3784 with leucine.
Molecular consequence: missense variant.
Genome position (GRCh38, 1-based): chr1:215,758,634, T>G on the plus strand (A>C on the coding strand, the complement: USH2A is on the minus strand). VCF-style: chr1-215758634-T-G. GRCh37 (hg19) VCF-style: chr1-215931976-T-G.
Other names: c.11350A>C (NM_206933.2); short protein forms I3784L.
Identifiers: ClinVar variation 1418585 (VCV001418585.7), dbSNP rs1660884865, ClinGen allele CA344820526.